The following is an entry in ClinVar:

NM_001165963.4(SCN1A):c.1170+1G>C

Gene: SCN1A (sodium voltage-gated channel alpha subunit 1; minus strand). Cytogenetic location: 2q24.3.
Variant type: single nucleotide variant.
Coding change: c.1170+1G>C on transcript NM_001165963.4 (MANE Select); the canonical splice donor site of the intron after coding-DNA position 1170, G replaced by C.
Molecular consequence: splice donor variant.
Genome position (GRCh38, 1-based): chr2:166,047,626, C>G on the plus strand (G>C on the coding strand, the complement: SCN1A is on the minus strand). VCF-style: chr2-166047626-C-G. GRCh37 (hg19) VCF-style: chr2-166904136-C-G.
Other names: c.1170+1G>C (NM_001353949.2, NM_001353958.2, NM_001353950.2 and 10 more transcripts); c.-1256+1G>C (NM_001353961.2).
Identifiers: ClinVar variation 1453097 (VCV001453097.9), dbSNP rs794726765, ClinGen allele CA349071062.

ClinVar aggregate classification (germline): Pathogenic (1 of 4 stars; one submission).

Conditions:
Early-infantile DEE. Also called: Early infantile epileptic encephalopathy; Ohtahara syndrome; Early infantile epileptic encephalopathy with suppression bursts. Identifiers: Orphanet 1934, MedGen C0393706, MONDO:0800491.

Submission:

Labcorp Genetics (formerly Invitae), Labcorp
Classification: Pathogenic for Early-infantile DEE. Last evaluated: 2023-08-24. Review status: criteria provided, single submitter. Criteria: Invitae Variant Classification Sherloc (09022015). Collection method: clinical testing. Allele origin: germline.
Comment: Algorithms developed to predict the effect of sequence changes on RNA splicing suggest that this variant may disrupt the consensus splice site. For these reasons, this variant has been classified as Pathogenic. ClinVar contains an entry for this variant (Variation ID: 1453097). Disruption of this splice site has been observed in individual(s) with Dravet syndrome (PMID: 18413471, 22071555). In at least one individual the variant was observed to be de novo. This variant is not present in population databases (gnomAD no frequency). This sequence change affects a donor splice site in intron 8 of the SCN1A gene. It is expected to disrupt RNA splicing. Variants that disrupt the donor or acceptor splice site typically lead to a loss of protein function (PMID: 16199547), and loss-of-function variants in SCN1A are known to be pathogenic (PMID: 17347258, 18930999).

Literature cited by the submitters: PubMed 18413471; PubMed 22071555; PubMed 16199547; PubMed 17347258; PubMed 18930999.